The following is an entry in ClinVar:

ClinVar aggregate classification (germline): Pathogenic. Review status: criteria provided, multiple submitters, no conflicts (2 of 4 stars). 4 submissions from 4 submitters: Pathogenic (4). Last evaluated 2024-03-02.

Conditions:
EYS-related disorder. Also called: EYS-related condition.
Retinal dystrophy. Also called: Inherited retinal dystrophy. Identifiers: Orphanet 71862, MedGen C0854723, MeSH D058499, MONDO:0019118, HP:0000556.
Retinitis pigmentosa 25 (RP25). Identifiers: Orphanet 791, MedGen C1864446, MONDO:0011272, OMIM 602772.

Allele frequency attached by ClinVar (database versions not stated): gnomAD exomes below 0.00001; gnomAD 0.00001.
gnomAD v4.1: 3 of 1,551,600 alleles (0.00019%); highest among the groups gnomAD compares: Non-Finnish European, 0.000087%; no homozygotes.

Submissions (4):

Baylor Genetics
Classification: Pathogenic for Retinitis pigmentosa 25. Last evaluated: 2024-03-02. Review status: criteria provided, single submitter. Criteria: ACMG Guidelines, 2015. Collection method: clinical testing. Allele origin: unknown.

Dept Of Ophthalmology, Nagoya University
Classification: Pathogenic for Retinal dystrophy. Last evaluated: 2023-10-01. Review status: criteria provided, single submitter. Criteria: Submitter's publication. Collection method: research. Allele origin: germline. Affected: yes.

Labcorp Genetics (formerly Invitae), Labcorp
Classification: Pathogenic. Last evaluated: 2023-07-03. Review status: criteria provided, single submitter. Criteria: Invitae Variant Classification Sherloc (09022015). Collection method: clinical testing. Allele origin: germline.
Comment: For these reasons, this variant has been classified as Pathogenic. This sequence change creates a premature translational stop signal (p.Gln2608*) in the EYS gene. It is expected to result in an absent or disrupted protein product. Loss-of-function variants in EYS are known to be pathogenic (PMID: 18836446, 20333770). This variant is not present in population databases (gnomAD no frequency). This variant has not been reported in the literature in individuals affected with EYS-related conditions. ClinVar contains an entry for this variant (Variation ID: 1371193).

Blueprint Genetics
Classification: Pathogenic for EYS-related disorders. Last evaluated: 2021-08-13. Review status: criteria provided, single submitter. Criteria: ACMG Guidelines, 2015. Collection method: clinical testing. Allele origin: germline. Affected: yes. Observed: 3 variant alleles.

Literature cited by the submitters: PubMed 18836446 (cited by Labcorp Genetics (formerly Invitae), Labcorp); PubMed 20333770 (cited by Labcorp Genetics (formerly Invitae), Labcorp).

NM_001142800.2(EYS):c.7822C>T (p.Gln2608Ter)

Gene: EYS (EGF-like photoreceptor maintenance factor; minus strand). Cytogenetic location: 6q12.
Variant type: single nucleotide variant.
Coding change: c.7822C>T on transcript NM_001142800.2 (MANE Select); coding-DNA position 7822, C replaced by T.
Protein change: p.Gln2608Ter; replaces glutamine 2608 with a stop codon.
Molecular consequence: nonsense.
Genome position (GRCh38, 1-based): chr6:63,778,082, G>A on the plus strand (C>T on the coding strand, the complement: EYS is on the minus strand). VCF-style: chr6-63778082-G-A. GRCh37 (hg19) VCF-style: chr6-64487975-G-A.
Other names: c.7822C>T, p.Gln2608Ter (NM_001292009.2); short protein forms Q2608*.
Identifiers: ClinVar variation 1371193 (VCV001371193.9), dbSNP rs1770111064, ClinGen allele CA364390569.